The following is an entry in ClinVar:

ClinVar aggregate classification (germline): Likely pathogenic. Review status: criteria provided, multiple submitters, no conflicts (2 of 4 stars). 3 submissions from 3 submitters: Likely pathogenic (3). Last evaluated 2026-09-08.

Conditions:
Cardiovascular phenotype. Identifiers: MedGen CN230736.
Fabry disease. Also called: Angiokeratoma corporis diffusum; ALPHA-GALACTOSIDASE A DEFICIENCY; ANDERSON-FABRY DISEASE; CERAMIDE TRIHEXOSIDASE DEFICIENCY; Fabry's disease; GLA DEFICIENCY. Identifiers: Orphanet 324, MedGen C0002986, MONDO:0010526, OMIM 301500, HP:0001071. Disease mechanism: loss of function, Fabry disease is due to inactivating mutations in the X-linked GLA gene resulting in deficiency of the enzyme Alpha Galactosidase-A..

Submissions (3):

Genomenon, Inc
Classification: Likely pathogenic for Fabry disease. Last evaluated: 2026-09-08. Review status: criteria provided, single submitter. Criteria: Genomenon Sequence Variant Interpretation Standards - Updated. Collection method: curation. Allele origin: germline. Affected: yes.
Comment: GLA p.Gly271Val (c.812G>T) is a missense variant that changes the amino acid at codon 271 from Glycine to Valine. This variant has been observed in at least one proband with clinical features consistent with Fabry disease (PMID:16595074). At least one functional study has demonstrated a substantial alteration in protein function relative to the wild-type (PMID:21598360;27657681). It is absent or not present at a significant frequency in gnomAD. In silico models predict that this variant is possibly or probably damaging. In conclusion, we classify GLA p.Gly271Val (c.812G>T) as a likely pathogenic variant.

Ambry Genetics
Classification: Likely pathogenic for Cardiovascular phenotype. Last evaluated: 2024-04-04. Review status: criteria provided, single submitter. Criteria: Ambry Variant Classification Scheme 2023. Collection method: clinical testing. Allele origin: germline.
Comment: The p.G271V variant (also known as c.812G>T), located in coding exon 6 of the GLA gene, results from a G to T substitution at nucleotide position 812. The glycine at codon 271 is replaced by valine, an amino acid with dissimilar properties. This variant was identified in an individual with classic Fabry disease (Shabbeer J et al. Hum. Genomics, 2006 Mar;2:297-309). Alpha galactosidase activity in patient lymphoblasts and HEK293 cells was absent (Benjamin ER et al. J. Inherit. Metab. Dis., 2009 Jun;32:424-40; Wu X et al. Hum. Mutat., 2011 Aug;32:965-77). This amino acid position is highly conserved in available vertebrate species. In addition, this alteration is predicted to be deleterious by in silico analysis. This variant is considered to be rare based on population cohorts in the Genome Aggregation Database (gnomAD). Based on the majority of available evidence to date, this variant is likely to be pathogenic.

Labcorp Genetics (formerly Invitae), Labcorp
Classification: Likely pathogenic for Fabry disease. Last evaluated: 2021-02-16. Review status: criteria provided, single submitter. Criteria: Invitae Variant Classification Sherloc (09022015). Collection method: clinical testing. Allele origin: germline.
Comment: Experimental studies have shown that this variant affects GLA protein function (PMID: 21598360). This variant has been observed in individual(s) with Fabry disease (PMID: 16595074). This variant is not present in population databases (ExAC no frequency). This sequence change replaces glycine with valine at codon 271 of the GLA protein (p.Gly271Val). The glycine residue is highly conserved and there is a moderate physicochemical difference between glycine and valine. This variant disrupts the p.Gly271 amino acid residue in GLA. Other variant(s) that disrupt this residue have been determined to be pathogenic (PMID: 16595074, 30715505, 20498269, 29037082). This suggests that this residue is clinically significant, and that variants that disrupt this residue are likely to be disease-causing. In summary, the currently available evidence indicates that the variant is pathogenic, but additional data are needed to prove that conclusively. Therefore, this variant has been classified as Likely Pathogenic.

Literature cited by the submitters: PubMed 16595074 (cited by 3 submitters); PubMed 21598360 (cited by 3 submitters); PubMed 27657681 (cited by Genomenon, Inc); PubMed 19387866 (cited by Ambry Genetics); PubMed 20498269 (cited by Ambry Genetics and Labcorp Genetics (formerly Invitae), Labcorp); PubMed 30715505 (cited by Labcorp Genetics (formerly Invitae), Labcorp); PubMed 29037082 (cited by Labcorp Genetics (formerly Invitae), Labcorp).

NM_000169.3(GLA):c.812G>T (p.Gly271Val)

Genes: GLA (galactosidase alpha; minus strand), RPL36A-HNRNPH2 (RPL36A-HNRNPH2 readthrough; plus strand). Cytogenetic location: Xq22.1.
Variant type: single nucleotide variant.
Coding change: c.812G>T on transcript NM_000169.3 (MANE Select); coding-DNA position 812, G replaced by T.
Protein change: p.Gly271Val; replaces glycine 271 with valine.
Molecular consequence: missense variant. On other transcripts: non-coding transcript variant (3), intron variant (2).
Genome position (GRCh38, 1-based): chrX:101,398,557, C>A on the plus strand (G>T on the coding strand, the complement: GLA is on the minus strand). VCF-style: chrX-101398557-C-A. GRCh37 (hg19) VCF-style: chrX-100653545-C-A.
Other names: c.935G>T, p.Gly312Val (NM_001406747.1); c.812G>T, p.Gly271Val (NM_001406748.1); c.300+3100C>A (NM_001199973.2); c.177+6735C>A (NM_001199974.2); short protein forms G271V, G312V.
Identifiers: ClinVar variation 1507609 (VCV001507609.13), dbSNP rs869312429, ClinGen allele CA413923423.
Genomic context (GRCh38, chrX:101,398,557, plus strand): 5'-GCCATGATAGCCCAGAGGGCCATCTGAGTTACTTGCTGATTCCAGCTGAGGCCAAAGTTG[C>A]CAATCACTAACTGAGAAAAAGAATGAAATAATTCAAACAAGAGAGGAGGAAACATTCTTA-3'
Protein context (NP_000160.1, residues 261-281): GWNDPDMLVI[Gly271Val]NFGLSWNQQV